The following is an entry in ClinVar:

ClinVar aggregate classification (germline): Uncertain significance (1 of 4 stars; one submission).

Conditions:
Cardiovascular phenotype. Identifiers: MedGen CN230736.

Submission:

Ambry Genetics
Classification: Uncertain significance for Cardiovascular phenotype. Last evaluated: 2024-12-16. Review status: criteria provided, single submitter. Criteria: Ambry Variant Classification Scheme 2023. Collection method: clinical testing. Allele origin: germline.
Comment: The p.C426S variant (also known as c.1277G>C), located in coding exon 7 of the SPRED1 gene, results from a G to C substitution at nucleotide position 1277. The cysteine at codon 426 is replaced by serine, an amino acid with dissimilar properties. This amino acid position is conserved. In addition, this alteration is predicted to be deleterious by in silico analysis. Based on the available evidence, the clinical significance of this variant remains unclear.

NM_152594.3(SPRED1):c.1277G>C (p.Cys426Ser)

Gene: SPRED1 (sprouty related EVH1 domain containing 1; plus strand). Cytogenetic location: 15q14.
Variant type: single nucleotide variant.
Coding change: c.1277G>C on transcript NM_152594.3 (MANE Select); coding-DNA position 1277, G replaced by C.
Protein change: p.Cys426Ser; replaces cysteine 426 with serine.
Molecular consequence: missense variant.
Genome position (GRCh38, 1-based): chr15:38,351,606, G>C. VCF-style: chr15-38351606-G-C. GRCh37 (hg19) VCF-style: chr15-38643807-G-C.
Other names: short protein forms C426S.
Identifiers: ClinVar variation 3800887 (VCV003800887.1).